The following is an entry in ClinVar:

NM_000368.5(TSC1):c.2161C>T (p.Arg721Cys)

Gene: TSC1 (TSC complex subunit 1; minus strand). Cytogenetic location: 9q34.13.
Variant type: single nucleotide variant.
Coding change: c.2161C>T on transcript NM_000368.5 (MANE Select); coding-DNA position 2161, C replaced by T.
Protein change: p.Arg721Cys; replaces arginine 721 with cysteine.
Molecular consequence: missense variant.
Genome position (GRCh38, 1-based): chr9:132,903,698, G>A on the plus strand (C>T on the coding strand, the complement: TSC1 is on the minus strand). VCF-style: chr9-132903698-G-A. GRCh37 (hg19) VCF-style: chr9-135779085-G-A.
Other names: c.2158C>T, p.Arg720Cys (NM_001162426.2); c.2008C>T, p.Arg670Cys (NM_001162427.2); c.1798C>T, p.Arg600Cys (NM_001362177.2); short protein forms R600C, R721C, R720C, R670C.
Identifiers: ClinVar variation 650252 (VCV000650252.15), dbSNP rs763357144, ClinGen allele CA031596.
Genomic context (GRCh38, chr9:132,903,698, plus strand): 5'-CCCCAGTCCTCACCATGGCAGCATTATGTTCCTCCAGAGCTGCTGCTTTGATCACCTTGC[G>A]GAGGAGCCGCCTGTTCCGGAGGGCATGCTGCTGCCTCTTAAAACGCTCATAGAGTAACTG-3'
Protein context (NP_000359.1, residues 711-731): QHALRNRRLL[Arg721Cys]KVIKAAALEE

ClinVar aggregate classification (germline): Conflicting classifications of pathogenicity. Review status: criteria provided, conflicting classifications (1 of 4 stars). 5 submissions from 5 submitters: Uncertain significance (2); Likely benign (3). Last evaluated 2026-06-01.

Conditions:
Hereditary cancer-predisposing syndrome. Also called: Neoplastic Syndromes, Hereditary; Hereditary Cancer Syndrome; Tumor predisposition; Hereditary neoplastic syndrome. Identifiers: Orphanet 140162, MedGen C0027672, MeSH D009386, MONDO:0015356.
Tuberous sclerosis 1 (TSC1). Identifiers: Orphanet 805, MedGen C1854465, MONDO:0008612, OMIM 191100.
Tuberous sclerosis syndrome (TSC). Also called: Tuberous Sclerosis Complex; Tuberous sclerosis. Identifiers: Orphanet 805, MedGen C0041341, MONDO:0001734.

Allele frequency attached by ClinVar (database versions not stated): ExAC 0.00001; TOPMed 0.00001.
gnomAD v4.1: 14 of 1,612,926 alleles (0.00087%); highest among the groups gnomAD compares: Admixed American, 0.0033%; no homozygotes.

Submissions (5):

CeGaT Center for Human Genetics Tuebingen
Classification: Likely benign. Last evaluated: 2026-06-01. Review status: criteria provided, single submitter. Criteria: CeGaT Center For Human Genetics Tuebingen Variant Classification Criteria Version 2. Collection method: clinical testing. Allele origin: germline. Affected: yes. Observed: 1 variant allele.
Comment: TSC1: PP2, BS1

Labcorp Genetics (formerly Invitae), Labcorp
Classification: Likely benign for Tuberous sclerosis 1. Last evaluated: 2025-12-10. Review status: criteria provided, single submitter. Criteria: Invitae Variant Classification Sherloc (09022015). Collection method: clinical testing. Allele origin: germline.

Color Diagnostics, LLC DBA Color Health
Classification: Uncertain significance for Tuberous sclerosis syndrome. Last evaluated: 2025-07-30. Review status: criteria provided, single submitter. Criteria: ACMG Guidelines, 2015. Collection method: clinical testing. Allele origin: germline.
Comment: This missense variant replaces arginine with cysteine at codon 721 of the TSC1 protein. Computational prediction is inconclusive regarding the impact of this variant on protein structure and function. To our knowledge, functional studies have not been reported for this variant. This variant has not been reported in individuals affected with TSC1-related disorders in the literature. This variant has been identified in 4/251250 chromosomes in the general population by the Genome Aggregation Database (gnomAD). The available evidence is insufficient to determine the role of this variant in disease conclusively. Therefore, this variant is classified as a Variant of Uncertain Significance.

Molecular Pathology, Peter Maccallum Cancer Centre
Classification: Uncertain significance for Tuberous sclerosis 1. Last evaluated: 2025-02-03. Review status: criteria provided, single submitter. Criteria: ACMG Guidelines, 2015. Collection method: clinical testing. Allele origin: germline. Inheritance: Autosomal dominant inheritance.

Ambry Genetics
Classification: Likely benign for Hereditary cancer-predisposing syndrome. Last evaluated: 2022-12-23. Review status: criteria provided, single submitter. Criteria: Ambry Variant Classification Scheme 2023. Collection method: clinical testing. Allele origin: germline.

Literature cited by the submitters: PubMed 29684080 (cited by Ambry Genetics).